The following is an entry in ClinVar:

NM_004415.4(DSP):c.777+1G>A

Gene: DSP (desmoplakin; plus strand). Cytogenetic location: 6p24.3.
Variant type: single nucleotide variant.
Coding change: c.777+1G>A on transcript NM_004415.4 (MANE Select); the canonical splice donor site of the intron after coding-DNA position 777, G replaced by A.
Molecular consequence: splice donor variant.
Genome position (GRCh38, 1-based): chr6:7,563,787, G>A. VCF-style: chr6-7563787-G-A. GRCh37 (hg19) VCF-style: chr6-7564020-G-A.
Other names: c.777+1G>A (NM_001319034.2, NM_001008844.3, NM_001406591.1).
Identifiers: ClinVar variation 1760550 (VCV001760550.2), dbSNP rs2533867182, ClinGen allele CA362673766.

ClinVar aggregate classification (germline): Uncertain significance (1 of 4 stars; one submission).

Conditions:
Cardiovascular phenotype. Identifiers: MedGen CN230736.

Allele frequency attached by ClinVar (database versions not stated): gnomAD exomes below 0.00001.
gnomAD v4.1: 1 of 1,613,290 alleles (0.000062%); highest among the groups gnomAD compares: Non-Finnish European, 0.000085%; no homozygotes.

Submission:

Ambry Genetics
Classification: Uncertain significance for Cardiovascular phenotype. Last evaluated: 2019-11-01. Review status: criteria provided, single submitter. Criteria: Ambry Variant Classification Scheme 2023. Collection method: clinical testing. Allele origin: germline.
Comment: The c.777+1G>A intronic variant results from a G to A substitution one nucleotide after coding exon 6 of the DSP gene. This nucleotide position is highly conserved in available vertebrate species. Using the BDGP and ESEfinder splice site prediction tools, this alteration is predicted to abolish the native splice donor site; however, direct evidence is unavailable. Alterations that disrupt the canonical splice site are expected to cause aberrant splicing, resulting in an abnormal protein or a transcript that is subject to nonsense-mediated mRNA decay; however, a predicted consequence of this alteration would be skipping of coding exon 6, an in-frame exon composed of only 17 amino acids, that may not trigger nonsense mediated decay. The exact functional impact of skipping of exon 6 is unknown at this time. Since supporting evidence is limited at this time, the clinical significance of this alteration remains unclear.